The following is an entry in ClinVar:

NM_007194.4(CHEK2):c.*2C>A

Gene: CHEK2 (checkpoint kinase 2; minus strand). Cytogenetic location: 22q12.1.
Variant type: single nucleotide variant.
Coding change: c.*2C>A on transcript NM_007194.4 (MANE Select); 2 bases downstream of the stop codon, C replaced by A.
Molecular consequence: 3 prime UTR variant.
Genome position (GRCh38, 1-based): chr22:28,687,895, G>T on the plus strand (C>A on the coding strand, the complement: CHEK2 is on the minus strand). VCF-style: chr22-28687895-G-T. GRCh37 (hg19) VCF-style: chr22-29083883-G-T.
Other names: c.*2C>A (NM_001005735.3, NM_001257387.3, NM_001349956.3 and 1 more transcripts).
Identifiers: ClinVar variation 2775060 (VCV002775060.2), dbSNP rs1555911522, ClinGen allele CA2697552610.

ClinVar aggregate classification (germline): Benign/Likely benign. Review status: criteria provided, multiple submitters, no conflicts (2 of 4 stars). 2 submissions from 2 submitters: Benign (1); Likely benign (1). Last evaluated 2024-10-09.

Conditions:
Hereditary cancer-predisposing syndrome. Also called: Neoplastic Syndromes, Hereditary; Tumor predisposition; Hereditary Cancer Syndrome; Hereditary neoplastic syndrome. Identifiers: Orphanet 140162, MedGen C0027672, MeSH D009386, MONDO:0015356.
Familial cancer of breast. Also called: Hereditary breast cancer; BREAST CANCER, FAMILIAL; hereditary breast carcinoma. Identifiers: Orphanet 227535, MedGen C0346153, MONDO:0016419, OMIM 114480. Disease mechanism: loss of function.

Submissions (2):

Myriad Genetics, Inc.
Classification: Benign for Familial cancer of breast. Last evaluated: 2024-10-09. Review status: criteria provided, single submitter. Criteria: Myriad Autosomal Dominant, Autosomal Recessive and X-Linked Classification Criteria (2023). Collection method: clinical testing. Allele origin: unknown.
Comment: This variant is considered benign. This variant occurs in the non-coding 3' untranslated region of the gene, and is not expected to impact protein function.

Color Diagnostics, LLC DBA Color Health
Classification: Likely benign for Hereditary cancer-predisposing syndrome. Last evaluated: 2021-07-26. Review status: criteria provided, single submitter. Criteria: ACMG Guidelines, 2015. Collection method: clinical testing. Allele origin: germline.